The following is an entry in ClinVar:

NM_002485.5(NBN):c.124A>C (p.Ser42Arg)

Gene: NBN (nibrin; minus strand). Cytogenetic location: 8q21.3.
Variant type: single nucleotide variant.
Coding change: c.124A>C on transcript NM_002485.5 (MANE Select); coding-DNA position 124, A replaced by C.
Protein change: p.Ser42Arg; replaces serine 42 with arginine.
Molecular consequence: missense variant. On other transcripts: 5 prime UTR variant (1).
Genome position (GRCh38, 1-based): chr8:89,982,769, T>G on the plus strand (A>C on the coding strand, the complement: NBN is on the minus strand). VCF-style: chr8-89982769-T-G. GRCh37 (hg19) VCF-style: chr8-90994997-T-G.
Other names: c.-173A>C (NM_001024688.3); short protein forms S42R.
Identifiers: ClinVar variation 3917603 (VCV003917603.1).

ClinVar aggregate classification (germline): Uncertain significance (1 of 4 stars; one submission).

Conditions:
Hereditary cancer-predisposing syndrome. Also called: Hereditary Cancer Syndrome; Hereditary neoplastic syndrome; Neoplastic Syndromes, Hereditary; Tumor predisposition. Identifiers: Orphanet 140162, MedGen C0027672, MeSH D009386, MONDO:0015356.

gnomAD v4.1: 1 of 1,614,052 alleles (0.000062%); highest among the groups gnomAD compares: Non-Finnish European, 0.000085%; no homozygotes.

Submission:

Ambry Genetics
Classification: Uncertain significance for Hereditary cancer-predisposing syndrome. Last evaluated: 2025-06-07. Review status: criteria provided, single submitter. Criteria: Ambry Variant Classification Scheme 2023. Collection method: clinical testing. Allele origin: germline.
Comment: The p.S42R variant (also known as c.124A>C), located in coding exon 2 of the NBN gene, results from an A to C substitution at nucleotide position 124. The serine at codon 42 is replaced by arginine, an amino acid with dissimilar properties. This amino acid position is conserved. In addition, this alteration is predicted to be deleterious by in silico analysis. Based on the available evidence, the clinical significance of this variant remains unclear.